The following is an entry in ClinVar:

ClinVar aggregate classification (germline): Likely pathogenic. Review status: criteria provided, multiple submitters, no conflicts (2 of 4 stars). 2 submissions from 2 submitters: Likely pathogenic (2). Last evaluated 2024-01-13.

Conditions:
Epidermolysis bullosa, junctional 4, intermediate. Also called: Epidermolysis bullosa, junctional, localisata variant; EPIDERMOLYSIS BULLOSA, JUNCTIONAL 4, NON-HERLITZ TYPE; EPIDERMOLYSIS BULLOSA, GENERALIZED ATROPHIC BENIGN. Identifiers: MedGen C2608084, MONDO:0030750, OMIM 619787.
Epithelial recurrent erosion dystrophy (ERED). Also called: CORNEAL EROSIONS, RECURRING HEREDITARY. Identifiers: Orphanet 293381, MedGen C1852551, MONDO:0007381, OMIM 122400.

Allele frequency attached by ClinVar (database versions not stated): TOPMed below 0.00001; gnomAD exomes 0.00001; ExAC 0.00002.
gnomAD v4.1: 21 of 1,614,002 alleles (0.0013%); highest among the groups gnomAD compares: South Asian, 0.022%; no homozygotes.

Submissions (2):

Labcorp Genetics (formerly Invitae), Labcorp
Classification: Likely pathogenic. Last evaluated: 2024-01-13. Review status: criteria provided, single submitter. Criteria: Invitae Variant Classification Sherloc (09022015). Collection method: clinical testing. Allele origin: germline.
Comment: This sequence change affects an acceptor splice site in intron 14 of the COL17A1 gene. It is expected to disrupt RNA splicing. Variants that disrupt the donor or acceptor splice site typically lead to a loss of protein function (PMID: 16199547), and loss-of-function variants in COL17A1 are known to be pathogenic (PMID: 16473856, 17344927, 20301304, 21357940, 24319098). This variant is present in population databases (rs113218289, gnomAD 0.01%). This variant has not been reported in the literature in individuals affected with COL17A1-related conditions. Algorithms developed to predict the effect of sequence changes on RNA splicing suggest that this variant may disrupt the consensus splice site. In summary, the currently available evidence indicates that the variant is pathogenic, but additional data are needed to prove that conclusively. Therefore, this variant has been classified as Likely Pathogenic.

Department of Pathology and Laboratory Medicine, Sinai Health System
Classification: Likely pathogenic for Epithelial recurrent erosion dystrophy; Epidermolysis bullosa, junctional 4, intermediate. Last evaluated: 2023-09-19. Review status: criteria provided, single submitter. Criteria: ACMG Guidelines, 2015. Collection method: research. Allele origin: germline.

Literature cited by the submitters: PubMed 16199547 (cited by Labcorp Genetics (formerly Invitae), Labcorp); PubMed 16473856 (cited by Labcorp Genetics (formerly Invitae), Labcorp); PubMed 17344927 (cited by Labcorp Genetics (formerly Invitae), Labcorp); PubMed 20301304 (cited by Labcorp Genetics (formerly Invitae), Labcorp); PubMed 21357940 (cited by Labcorp Genetics (formerly Invitae), Labcorp); PubMed 24319098 (cited by Labcorp Genetics (formerly Invitae), Labcorp).

NM_000494.4(COL17A1):c.1142-1G>A

Gene: COL17A1 (collagen type XVII alpha 1 chain; minus strand). Cytogenetic location: 10q25.1.
Variant type: single nucleotide variant.
Coding change: c.1142-1G>A on transcript NM_000494.4 (MANE Select); the canonical splice acceptor site of the intron before coding-DNA position 1142, G replaced by A.
Molecular consequence: splice acceptor variant.
Genome position (GRCh38, 1-based): chr10:104,059,719, C>T on the plus strand (G>A on the coding strand, the complement: COL17A1 is on the minus strand). VCF-style: chr10-104059719-C-T. GRCh37 (hg19) VCF-style: chr10-105819477-C-T.
Identifiers: ClinVar variation 2970122 (VCV002970122.4), dbSNP rs113218289, ClinGen allele CA5679142.